The following is an entry in ClinVar:

ClinVar aggregate classification (germline): Uncertain significance. Review status: criteria provided, multiple submitters, no conflicts (2 of 4 stars). 2 submissions from 2 submitters: Uncertain significance (2). Last evaluated 2026-01-04.

Conditions:
Hereditary cancer-predisposing syndrome. Also called: Neoplastic Syndromes, Hereditary; Hereditary neoplastic syndrome; Tumor predisposition; Hereditary Cancer Syndrome. Identifiers: Orphanet 140162, MedGen C0027672, MeSH D009386, MONDO:0015356.
Gastrointestinal stromal tumor. Also called: Gastrointestinal stromal tumor, somatic; Gastrointestinal stroma tumor. Identifiers: Orphanet 44890, MedGen C0238198, MeSH D046152, MONDO:0011719, OMIM 606764, HP:0100723.

Submissions (2):

Ambry Genetics
Classification: Uncertain significance for Hereditary cancer-predisposing syndrome. Last evaluated: 2026-01-04. Review status: criteria provided, single submitter. Criteria: Ambry Variant Classification Scheme 2023. Collection method: clinical testing. Allele origin: germline.
Comment: The p.I315T variant (also known as c.944T>C), located in coding exon 6 of the KIT gene, results from a T to C substitution at nucleotide position 944. The isoleucine at codon 315 is replaced by threonine, an amino acid with similar properties. This amino acid position is conserved. In addition, this alteration is predicted to be tolerated by in silico analysis. Based on the available evidence, the clinical significance of this variant remains unclear.

Labcorp Genetics (formerly Invitae), Labcorp
Classification: Uncertain significance for Gastrointestinal stromal tumor. Last evaluated: 2023-05-24. Review status: criteria provided, single submitter. Criteria: Invitae Variant Classification Sherloc (09022015). Collection method: clinical testing. Allele origin: germline.
Comment: This sequence change replaces isoleucine, which is neutral and non-polar, with threonine, which is neutral and polar, at codon 315 of the KIT protein (p.Ile315Thr). This variant is not present in population databases (gnomAD no frequency). This variant has not been reported in the literature in individuals affected with KIT-related conditions. Algorithms developed to predict the effect of missense changes on protein structure and function output the following: SIFT: "Not Available"; PolyPhen-2: "Benign"; Align-GVGD: "Not Available". The threonine amino acid residue is found in multiple mammalian species, which suggests that this missense change does not adversely affect protein function. In summary, the available evidence is currently insufficient to determine the role of this variant in disease. Therefore, it has been classified as a Variant of Uncertain Significance.

NM_000222.3(KIT):c.944T>C (p.Ile315Thr)

Gene: KIT (KIT proto-oncogene, receptor tyrosine kinase; plus strand). Cytogenetic location: 4q12.
Variant type: single nucleotide variant.
Coding change: c.944T>C on transcript NM_000222.3 (MANE Select); coding-DNA position 944, T replaced by C.
Protein change: p.Ile315Thr; replaces isoleucine 315 with threonine.
Molecular consequence: missense variant.
Genome position (GRCh38, 1-based): chr4:54,707,116, T>C. VCF-style: chr4-54707116-T-C. GRCh37 (hg19) VCF-style: chr4-55573282-T-C.
Other names: c.944T>C, p.Ile315Thr (NM_001093772.2, NM_001385285.1, NM_001385286.1); c.947T>C, p.Ile316Thr (NM_001385284.1, NM_001385288.1, NM_001385290.1 and 1 more transcripts); short protein forms I316T, I315T.
Identifiers: ClinVar variation 2703064 (VCV002703064.4), dbSNP rs377590954, ClinGen allele CA356900713.